The following is an entry in ClinVar:

NM_000543.5(SMPD1):c.1311G>A (p.Trp437Ter)

Gene: SMPD1 (sphingomyelin phosphodiesterase 1; plus strand). Cytogenetic location: 11p15.4.
Variant type: single nucleotide variant.
Coding change: c.1311G>A on transcript NM_000543.5 (MANE Select); coding-DNA position 1311, G replaced by A.
Protein change: p.Trp437Ter; replaces tryptophan 437 with a stop codon.
Molecular consequence: nonsense. On other transcripts: non-coding transcript variant (2).
Genome position (GRCh38, 1-based): chr11:6,393,664, G>A. VCF-style: chr11-6393664-G-A. GRCh37 (hg19) VCF-style: chr11-6414894-G-A.
Other names: c.1308G>A, p.Trp436Ter (NM_001007593.3); c.1311G>A, p.Trp437Ter (NM_001318087.2); c.390G>A, p.Trp130Ter (NM_001318088.2); c.1179G>A, p.Trp393Ter (NM_001365135.2); short protein forms W130*, W437*, W393*, W436*.
Identifiers: ClinVar variation 837822 (VCV000837822.8), dbSNP rs1848043657, ClinGen allele CA379374432.

ClinVar aggregate classification (germline): Pathogenic (1 of 4 stars; one submission).

Conditions:
Niemann-Pick disease, type B. Also called: Chronic Visceral ASMD (Niemann-Pick Disease Type B; NPD-B). Identifiers: Orphanet 77293, MedGen C0268243, MONDO:0011871, OMIM 607616. Disease mechanism: loss of function.
Niemann-Pick disease, type A. Also called: SPHINGOMYELIN LIPIDOSIS; SPHINGOMYELINASE DEFICIENCY; Infantile Neurovisceral ASMD (Niemann-Pick Disease Type A; NPD-A). Identifiers: Orphanet 77292, MedGen C0268242, MONDO:0009756, OMIM 257200. Disease mechanism: loss of function.

Submission:

Labcorp Genetics (formerly Invitae), Labcorp
Classification: Pathogenic for Niemann-Pick disease, type B; Niemann-Pick disease, type A. Last evaluated: 2022-11-01. Review status: criteria provided, single submitter. Criteria: Invitae Variant Classification Sherloc (09022015). Collection method: clinical testing. Allele origin: germline.
Comment: This variant is not present in population databases (gnomAD no frequency). This variant has not been reported in the literature in individuals affected with SMPD1-related conditions. ClinVar contains an entry for this variant (Variation ID: 837822). For these reasons, this variant has been classified as Pathogenic. This sequence change creates a premature translational stop signal (p.Trp437*) in the SMPD1 gene. It is expected to result in an absent or disrupted protein product. Loss-of-function variants in SMPD1 are known to be pathogenic (PMID: 12369017, 15221801).

Literature cited by the submitters: PubMed 12369017; PubMed 15221801.